The following is an entry in ClinVar:

NM_144670.6(A2ML1):c.229C>A (p.His77Asn)

Genes: A2ML1-AS1 (A2ML1 antisense RNA 1; minus strand), A2ML1 (alpha-2-macroglobulin like 1; plus strand). Cytogenetic location: 12p13.31.
Variant type: single nucleotide variant.
Coding change: c.229C>A on transcript NM_144670.6 (MANE Select); coding-DNA position 229, C replaced by A.
Protein change: p.His77Asn; replaces histidine 77 with asparagine.
Molecular consequence: missense variant.
Genome position (GRCh38, 1-based): chr12:8,823,348, C>A. VCF-style: chr12-8823348-C-A. GRCh37 (hg19) VCF-style: chr12-8975944-C-A.
Other names: short protein forms H77N.
Identifiers: ClinVar variation 3685887 (VCV003685887.2).

ClinVar aggregate classification (germline): Uncertain significance (1 of 4 stars; one submission).

Submission:

Labcorp Genetics (formerly Invitae), Labcorp
Classification: Uncertain significance. Last evaluated: 2025-04-07. Review status: criteria provided, single submitter. Criteria: Invitae Variant Classification Sherloc (09022015). Collection method: clinical testing. Allele origin: germline.
Comment: This sequence change replaces histidine, which is basic and polar, with asparagine, which is neutral and polar, at codon 77 of the A2ML1 protein (p.His77Asn). This variant is not present in population databases (gnomAD no frequency). This variant has not been reported in the literature in individuals affected with A2ML1-related conditions. ClinVar contains an entry for this variant (Variation ID: 3685887). An algorithm developed to predict the effect of missense changes on protein structure and function (PolyPhen-2) suggests that this variant is likely to be tolerated. In summary, the available evidence is currently insufficient to determine the role of this variant in disease. Therefore, it has been classified as a Variant of Uncertain Significance.